The following is an entry in ClinVar:

NM_007118.4(TRIO):c.5647C>T (p.Pro1883Ser)

Gene: TRIO (trio Rho guanine nucleotide exchange factor; plus strand). Cytogenetic location: 5p15.2.
Variant type: single nucleotide variant.
Coding change: c.5647C>T on transcript NM_007118.4 (MANE Select); coding-DNA position 5647, C replaced by T.
Protein change: p.Pro1883Ser; replaces proline 1883 with serine.
Molecular consequence: missense variant. On other transcripts: non-coding transcript variant (1).
Genome position (GRCh38, 1-based): chr5:14,462,905, C>T. VCF-style: chr5-14462905-C-T. GRCh37 (hg19) VCF-style: chr5-14463014-C-T.
Other names: short protein forms P1883S.
Identifiers: ClinVar variation 4998501 (VCV004998501.1).

ClinVar aggregate classification (germline): Uncertain significance (1 of 4 stars; one submission).

Conditions:
TRIO-related disorder. Also called: TRIO-related disorders; TRIO-related condition.

Submission:

PreventionGenetics, part of Exact Sciences
Classification: Uncertain significance for TRIO-related condition. Last evaluated: 2025-06-20. Review status: criteria provided, single submitter. Criteria: ACMG Guidelines, 2015. Collection method: clinical testing. Allele origin: germline.
Comment: The TRIO c.5647C>T variant is predicted to result in the amino acid substitution p.Pro1883Ser. To our knowledge, this variant has not been reported in the literature or in a large population database (gnomAD), indicating this variant is rare. At this time, the clinical significance of this variant is uncertain due to the absence of conclusive functional and genetic evidence.